The following is an entry in ClinVar:

NM_001942.4(DSG1):c.2291G>T (p.Gly764Val)

Genes: DSG1 (desmoglein 1; plus strand), DSG1-AS1 (DSG1 antisense RNA 1; minus strand), LOC126862720 (MED14-independent group 3 enhancer GRCh37_chr18:28933613-28934812; plus strand). Cytogenetic location: 18q12.1.
Variant type: single nucleotide variant.
Coding change: c.2291G>T on transcript NM_001942.4 (MANE Select); coding-DNA position 2291, G replaced by T.
Protein change: p.Gly764Val; replaces glycine 764 with valine.
Molecular consequence: missense variant.
Genome position (GRCh38, 1-based): chr18:31,354,487, G>T. VCF-style: chr18-31354487-G-T. GRCh37 (hg19) VCF-style: chr18-28934450-G-T.
Other names: c.2291G>T (NM_001942.2); short protein forms G764V.
Identifiers: ClinVar variation 1373046 (VCV001373046.9), dbSNP rs1188954531, ClinGen allele CA402121955.
Genomic context (GRCh38, chr18:31,354,487, plus strand): 5'-ATGACAGCTTCTTGGATACCCTGGGACCTAAATTTAAGAAGTTGGCAGACATCAGCCTAG[G>T]AAAAGAATCATATCCAGACCTTGATCCTTCTTGGCCACCACAAAGCACTGAACCAGTTTG-3'
Protein context (NP_001933.2, residues 754-774): KFKKLADISL[Gly764Val]KESYPDLDPS

ClinVar aggregate classification (germline): Uncertain significance. Review status: criteria provided, multiple submitters, no conflicts (2 of 4 stars). 2 submissions from 2 submitters: Uncertain significance (2). Last evaluated 2023-08-07.

Conditions:
Inborn genetic diseases. Identifiers: MedGen C0950123, MeSH D030342.

Allele frequency attached by ClinVar (database versions not stated): TOPMed 0.00001; gnomAD 0.00002.
gnomAD v4.1: 6 of 1,614,032 alleles (0.00037%); highest among the groups gnomAD compares: African/African-American, 0.0013%; no homozygotes.

Submissions (2):

Labcorp Genetics (formerly Invitae), Labcorp
Classification: Uncertain significance. Last evaluated: 2023-08-07. Review status: criteria provided, single submitter. Criteria: Invitae Variant Classification Sherloc (09022015). Collection method: clinical testing. Allele origin: germline.
Comment: This variant is not present in population databases (gnomAD no frequency). This sequence change replaces glycine, which is neutral and non-polar, with valine, which is neutral and non-polar, at codon 764 of the DSG1 protein (p.Gly764Val). In summary, the available evidence is currently insufficient to determine the role of this variant in disease. Therefore, it has been classified as a Variant of Uncertain Significance. Advanced modeling of protein sequence and biophysical properties (such as structural, functional, and spatial information, amino acid conservation, physicochemical variation, residue mobility, and thermodynamic stability) performed at Invitae indicates that this missense variant is not expected to disrupt DSG1 protein function. ClinVar contains an entry for this variant (Variation ID: 1373046). This variant has not been reported in the literature in individuals affected with DSG1-related conditions.

Ambry Genetics
Classification: Uncertain significance for Inborn genetic diseases. Last evaluated: 2022-11-21. Review status: criteria provided, single submitter. Criteria: Ambry Variant Classification Scheme 2023. Collection method: clinical testing. Allele origin: germline.